The following is an entry in ClinVar:

ClinVar aggregate classification (germline): Pathogenic/Likely pathogenic. Review status: criteria provided, multiple submitters, no conflicts (2 of 4 stars). 3 submissions from 3 submitters: Pathogenic (1); Likely pathogenic (1). 1 of the submissions does not count toward it. Last evaluated 2025-10-28.

Conditions:
SMAD3-related disorder. Also called: SMAD3-related condition.
Aneurysm-osteoarthritis syndrome. Also called: SMAD3-Related Loeys-Dietz Syndrome; LOEYS-DIETZ SYNDROME WITH OSTEOARTHRITIS; ANEURYSMS-OSTEOARTHRITIS SYNDROME; Loeys-Dietz syndrome, type 1C. Identifiers: Orphanet 284984, MedGen C3151087, MONDO:0013426, OMIM 613795.

Submissions (3):

Victorian Clinical Genetics Services, Murdoch Childrens Research Institute
Classification: Likely pathogenic for Aneurysm-osteoarthritis syndrome. Last evaluated: 2025-10-28. Review status: criteria provided, single submitter. Criteria: ACMG Guidelines, 2015. Collection method: clinical testing. Allele origin: germline. Affected: yes.
Comment: This variant is classified as Likely pathogenic. Evidence in support of pathogenic classification: Variant is absent from gnomAD (v2, v3 and v4); This variant has limited previous evidence of pathogenicity in an unrelated individual(s). It has been reported in the literature in two unrelated families with non-syndromic thoracic aortic disease (PMID: 21778426) and it is regarded as likely pathogenic (PMID: 29392890); This variant has strong evidence for segregation with disease. It has been shown to segregate with non-syndromic TAAD in multiple affected individuals of two unrelated families. Only one young relative had this variant and didn't present with a phenotype at time of testing (PMID: 21778426); Missense variant in a region that is highly intolerant to missense variation (high constraint region in DECIPHER); Missense variant predicted to be damaging by in silico tool(s) or highly conserved with a major amino acid change. Additional information: Variant is predicted to result in a missense amino acid change from Arg to Lys; This variant is heterozygous; This gene is associated with autosomal dominant disease; No published functional evidence has been identified for this variant; Another missense variant comparable to the one identified in this case has inconclusive previous evidence for pathogenicity. p.(Arg279Gly) has been classified as VUS by one clinical laboratory in ClinVar, who detected it in an individual with clinical features of SMAD3-related disease; Loss of function is a known mechanism of disease in this gene and is associated with Loeys-Dietz syndrome 3 (MIM#613795). Dominant negative is also a suggested mechanism for some missense variants (PMID: 30661052); Variants in this gene are known to have variable expressivity. Clinical features of Loeys-Dietz syndrome associated with SMAD3 are variable, and the penetrance of aortic events generally increases with age (PMID: 20301312, 30661052); Inheritance information for this variant is not currently available in this individual.

Blueprint Genetics
Classification: Pathogenic for SMAD3-related disorders. Last evaluated: 2021-05-18. Review status: criteria provided, single submitter. Criteria: ACMG Guidelines, 2015. Collection method: clinical testing. Allele origin: germline. Affected: yes. Observed: 1 variant allele.

OMIM
Classification: Pathogenic for LOEYS-DIETZ SYNDROME 3. Last evaluated: 2011-09-02. Review status: no assertion criteria provided. Collection method: literature only. Allele origin: germline. Not counted in ClinVar's aggregate classification.

Literature cited by the submitters: PubMed 21778426 (cited by Victorian Clinical Genetics Services, Murdoch Childrens Research Institute and OMIM); PubMed 29392890 (cited by Victorian Clinical Genetics Services, Murdoch Childrens Research Institute); PubMed 20301312 (cited by Victorian Clinical Genetics Services, Murdoch Childrens Research Institute); PubMed 30661052 (cited by Victorian Clinical Genetics Services, Murdoch Childrens Research Institute).

NM_005902.4(SMAD3):c.836G>A (p.Arg279Lys)

Gene: SMAD3 (SMAD family member 3; plus strand). Cytogenetic location: 15q22.33.
Variant type: single nucleotide variant.
Coding change: c.836G>A on transcript NM_005902.4 (MANE Select); coding-DNA position 836, G replaced by A.
Protein change: p.Arg279Lys; replaces arginine 279 with lysine.
Molecular consequence: missense variant.
Genome position (GRCh38, 1-based): chr15:67,181,418, G>A. VCF-style: chr15-67181418-G-A. GRCh37 (hg19) VCF-style: chr15-67473756-G-A.
Other names: c.521G>A, p.Arg174Lys (NM_001145102.2); c.704G>A, p.Arg235Lys (NM_001145103.2); c.251G>A, p.Arg84Lys (NM_001145104.2); short protein forms R279K, R174K, R235K, R84K.
Identifiers: ClinVar variation 30310 (VCV000030310.3), dbSNP rs387906852, ClinGen allele CA020124.
Genomic context (GRCh38, chr15:67,181,418, plus strand): 5'-GCTTCACCGACCCCTCCAATTCGGAGCGCTTCTGCCTAGGGCTGCTCTCCAATGTCAACA[G>A]GAATGCAGCAGTGGAGCTGACACGGAGACACATCGGTATGGGGTGGCTCCATTCCCCGCC-3'
Protein context (NP_005893.1, residues 269-289): FCLGLLSNVN[Arg279Lys]NAAVELTRRH